The following is an entry in ClinVar:

ClinVar aggregate classification (germline): Likely benign. Review status: criteria provided, multiple submitters, no conflicts (2 of 4 stars). 2 submissions from 2 submitters: Likely benign (2). Last evaluated 2024-06-11.

Conditions:
Fabry disease. Also called: Fabry's disease; ALPHA-GALACTOSIDASE A DEFICIENCY; ANDERSON-FABRY DISEASE; CERAMIDE TRIHEXOSIDASE DEFICIENCY; GLA DEFICIENCY; HEREDITARY DYSTOPIC LIPIDOSIS. Identifiers: Orphanet 324, MedGen C0002986, MONDO:0010526, OMIM 301500, HP:0001071. Disease mechanism: Fabry disease is due to inactivating mutations in the X-linked GLA gene resulting in deficiency of the enzyme Alpha Galactosidase-A., loss of function.

Submissions (2):

Labcorp Genetics (formerly Invitae), Labcorp
Classification: Likely benign for Fabry disease. Last evaluated: 2024-06-11. Review status: criteria provided, single submitter. Criteria: Invitae Variant Classification Sherloc (09022015). Collection method: clinical testing. Allele origin: germline.

All of Us Research Program, National Institutes of Health
Classification: Likely benign for Fabry disease. Last evaluated: 2023-08-15. Review status: criteria provided, single submitter. Criteria: ACMG Guidelines, 2015. Collection method: clinical testing. Allele origin: germline. Inheritance: X-linked inheritance. Observed: 1 variant allele, 1 heterozygote.
Comment: This study involves interpretation of variants in research participants for the purpose of population health screening. Participant phenotype was not available at the time of variant classification. Additional details can be found in publication PMID: 35346344, PMCID: PMC8962531

NM_000169.3(GLA):c.1266G>A (p.Gln422=)

Genes: RPL36A-HNRNPH2 (RPL36A-HNRNPH2 readthrough; plus strand), GLA (galactosidase alpha; minus strand). Cytogenetic location: Xq22.1.
Variant type: single nucleotide variant.
Coding change: c.1266G>A on transcript NM_000169.3 (MANE Select); coding-DNA position 1266, G replaced by A.
Protein change: p.Gln422=; no amino-acid change (glutamine 422 retained).
Molecular consequence: synonymous variant. On other transcripts: non-coding transcript variant (3), intron variant (2).
Genome position (GRCh38, 1-based): chrX:101,397,833, C>T on the plus strand (G>A on the coding strand, the complement: GLA is on the minus strand). VCF-style: chrX-101397833-C-T. GRCh37 (hg19) VCF-style: chrX-100652821-C-T.
Other names: c.1389G>A, p.Gln463= (NM_001406747.1); c.300+2376C>T (NM_001199973.2); c.177+6011C>T (NM_001199974.2).
Identifiers: ClinVar variation 1157680 (VCV001157680.18), dbSNP rs2147470421, ClinGen allele CA517519380.